The following is an entry in ClinVar:

NM_021969.3(NR0B2):c.588C>A (p.His196Gln)

Genes: NR0B2 (nuclear receptor subfamily 0 group B member 2; minus strand), NUDC (nuclear distribution C, dynein complex regulator; plus strand). Cytogenetic location: 1p36.11.
Variant type: single nucleotide variant.
Coding change: c.588C>A on transcript NM_021969.3 (MANE Select); coding-DNA position 588, C replaced by A.
Protein change: p.His196Gln; replaces histidine 196 with glutamine.
Molecular consequence: missense variant.
Genome position (GRCh38, 1-based): chr1:26,912,031, G>T on the plus strand (C>A on the coding strand, the complement: NR0B2 is on the minus strand). VCF-style: chr1-26912031-G-T. GRCh37 (hg19) VCF-style: chr1-27238522-G-T.
Other names: short protein forms H196Q.
Identifiers: ClinVar variation 4977478 (VCV004977478.1).

ClinVar aggregate classification (germline): Uncertain significance (1 of 4 stars; one submission).

Conditions:
NR0B2-related disorder. Also called: NR0B2-related condition.

gnomAD v4.1: 13 of 1,614,078 alleles (0.00081%); highest among the groups gnomAD compares: African/African-American, 0.012%; no homozygotes.

Submission:

PreventionGenetics, part of Exact Sciences
Classification: Uncertain significance for NR0B2-related condition. Last evaluated: 2025-01-29. Review status: criteria provided, single submitter. Criteria: ACMG Guidelines, 2015. Collection method: clinical testing. Allele origin: germline.
Comment: The NR0B2 c.588C>A variant is predicted to result in the amino acid substitution p.His196Gln. To our knowledge, this variant has not been reported in the literature. This variant is reported in 0.012% of alleles in individuals of African descent in gnomAD. At this time, the clinical significance of this variant is uncertain due to the absence of conclusive functional and genetic evidence.